The following is an entry in ClinVar:

NM_173630.4(RTTN):c.4269G>A (p.Leu1423=)

Gene: RTTN (rotatin; minus strand). Cytogenetic location: 18q22.2.
Variant type: single nucleotide variant.
Coding change: c.4269G>A on transcript NM_173630.4 (MANE Select); coding-DNA position 4269, G replaced by A.
Protein change: p.Leu1423=; no amino-acid change (leucine 1423 retained).
Molecular consequence: synonymous variant.
Genome position (GRCh38, 1-based): chr18:70,088,022, C>T on the plus strand (G>A on the coding strand, the complement: RTTN is on the minus strand). VCF-style: chr18-70088022-C-T. GRCh37 (hg19) VCF-style: chr18-67755258-C-T.
Other names: c.1533G>A, p.Leu511= (NM_001318520.2).
Identifiers: ClinVar variation 2648803 (VCV002648803.24), dbSNP rs2058747085, ClinGen allele CA504325803.

ClinVar aggregate classification (germline): Likely benign (1 of 4 stars; one submission).

Allele frequency attached by ClinVar (database versions not stated): TOPMed below 0.00001.

Submission:

CeGaT Center for Human Genetics Tuebingen
Classification: Likely benign. Last evaluated: 2023-02-01. Review status: criteria provided, single submitter. Criteria: CeGaT Center For Human Genetics Tuebingen Variant Classification Criteria Version 2. Collection method: clinical testing. Allele origin: germline. Affected: yes. Observed: 1 variant allele.
Comment: RTTN: PM2:Supporting, BP4, BP7